The following is an entry in ClinVar:

ClinVar aggregate classification (germline): Benign/Likely benign. Review status: criteria provided, multiple submitters, no conflicts (2 of 4 stars). 3 submissions from 3 submitters: Benign (1); Likely benign (1). 1 of the submissions does not count toward it. Last evaluated 2025-12-29.

Conditions:
ALPK1-related disorder. Also called: ALPK1-related condition.

Submissions (3):

Labcorp Genetics (formerly Invitae), Labcorp
Classification: Benign. Last evaluated: 2025-12-29. Review status: criteria provided, single submitter. Criteria: Invitae Variant Classification Sherloc (09022015). Collection method: clinical testing. Allele origin: germline.

Blueprint Genetics
Classification: Likely benign. Last evaluated: 2024-11-18. Review status: criteria provided, single submitter. Criteria: ACMG Guidelines, 2015. Collection method: clinical testing. Allele origin: germline.

PreventionGenetics, part of Exact Sciences
Classification: Likely benign for ALPK1-related condition. Last evaluated: 2023-01-03. Review status: no assertion criteria provided. Collection method: clinical testing. Allele origin: germline. Not counted in ClinVar's aggregate classification.
Comment: This variant is classified as likely benign based on ACMG/AMP sequence variant interpretation guidelines (Richards et al. 2015 PMID: 25741868, with internal and published modifications).

NM_025144.4(ALPK1):c.3451_3452del (p.Glu1151fs)

Gene: ALPK1 (alpha kinase 1; plus strand). Cytogenetic location: 4q25.
Variant type: Deletion.
Coding change: c.3451_3452del on transcript NM_025144.4 (MANE Select); coding-DNA positions 3451 to 3452, 2 bases deleted (GA; older notation c.3451_3452delGA).
Protein change: p.Glu1151fs; shifts the reading frame from glutamic acid 1151.
Molecular consequence: frameshift variant.
Genome position (GRCh38, 1-based): chr4:112,439,785-112,439,786, GA deleted; deleting any 2 consecutive bases within chr4:112,439,784-112,439,786 gives the same sequence; the c. name uses the placement nearest the transcript's 3' end. VCF-style (leftmost placement, unchanged base first): chr4-112439783-CAG-C. GRCh37 (hg19) VCF-style: chr4-113360939-CAG-C.
Other names: c.3451_3452delGA (NM_001102406.1); c.3451_3452del, p.Glu1151fs (NM_001102406.2); c.3217_3218del, p.Glu1073fs (NM_001253884.2); short protein forms E1073fs, E1151fs.
Identifiers: ClinVar variation 2044149 (VCV002044149.7), dbSNP rs201890181, ClinGen allele CA3047190.
Genomic context (GRCh38, chr4:112,439,783, plus strand): 5'-TGGAGCCTTACATACTGGGAGAATTTGTAAAATTGTCAAATAACACGAAAGTGGTGAAAA[CAG>C]AATACAAAGCCACAGAATATGGCTTGGCCTATGGCCATTTTTCTTATGAGTTTTCTAATC-3'